The following is an entry in ClinVar:

ClinVar aggregate classification (germline): Uncertain significance. Review status: criteria provided, multiple submitters, no conflicts (2 of 4 stars). 10 submissions from 10 submitters: Uncertain significance (9). 1 of the submissions does not count toward it. Last evaluated 2025-05-01.

Conditions:
Cardiovascular phenotype. Identifiers: MedGen CN230736.
Cardiomyopathy (CMYO). Also called: Cardiomyopathies. Identifiers: Orphanet 167848, MedGen C0878544, MONDO:0004994, HP:0001638. Inheritance: Various modes of inheritance.
Hypertrophic cardiomyopathy. Also called: HYPERTROPHIC MYOCARDIOPATHY. Identifiers: Orphanet 217569, MedGen C0007194, MeSH D002312, MONDO:0005045, HP:0001639.

Allele frequency attached by ClinVar (database versions not stated): gnomAD 0.00001; TOPMed 0.00001; ExAC 0.00002; gnomAD exomes 0.00002; ESP Exome Variant Server 0.00008.
gnomAD v4.1: 41 of 1,612,914 alleles (0.0025%); highest among the groups gnomAD compares: South Asian, 0.0055%; no homozygotes.

Submissions (10):

CeGaT Center for Human Genetics Tuebingen
Classification: Uncertain significance. Last evaluated: 2025-05-01. Review status: criteria provided, single submitter. Criteria: CeGaT Center For Human Genetics Tuebingen Variant Classification Criteria Version 2. Collection method: clinical testing. Allele origin: germline. Affected: yes. Observed: 1 variant allele.
Comment: MYBPC3: PM2, PP3

Labcorp Genetics (formerly Invitae), Labcorp
Classification: Uncertain significance for Hypertrophic cardiomyopathy. Last evaluated: 2025-01-13. Review status: criteria provided, single submitter. Criteria: Invitae Variant Classification Sherloc (09022015). Collection method: clinical testing. Allele origin: germline.
Comment: This sequence change replaces arginine, which is basic and polar, with tryptophan, which is neutral and slightly polar, at codon 724 of the MYBPC3 protein (p.Arg724Trp). This variant is present in population databases (rs200399246, gnomAD 0.005%). This missense change has been observed in individual(s) with hypertrophic cardiomyopathy (PMID: 27532257, 28790153, 29121657, 33673806, 33782553, 37652022). ClinVar contains an entry for this variant (Variation ID: 177901). An algorithm developed to predict the effect of missense changes on protein structure and function (PolyPhen-2) suggests that this variant is likely to be disruptive. In summary, the available evidence is currently insufficient to determine the role of this variant in disease. Therefore, it has been classified as a Variant of Uncertain Significance.

Color Diagnostics, LLC DBA Color Health
Classification: Uncertain significance for Cardiomyopathy. Last evaluated: 2024-05-22. Review status: criteria provided, single submitter. Criteria: ACMG Guidelines, 2015. Collection method: clinical testing. Allele origin: germline.
Comment: This missense variant replaces arginine with tryptophan at codon 724 of the MYBPC3 protein. Computational prediction tools indicate that this variant has a deleterious impact on protein structure and function. To our knowledge, functional studies have not been reported for this variant. This variant has been reported in individuals affected with hypertrophic cardiomyopathy (PMID: 27532257, 29121657, 30645170, 33673806, 33782553). Two of these individuals each carried different pathogenic variants in the MYBPC3 gene (PMID: 29121657, 30645170). This variant has been identified in 6/246748 chromosomes in the general population by the Genome Aggregation Database (gnomAD). The available evidence is insufficient to determine the role of this variant in disease conclusively. Therefore, this variant is classified as a Variant of Uncertain Significance.

Blueprint Genetics
Classification: Uncertain significance. Last evaluated: 2024-02-21. Review status: criteria provided, single submitter. Criteria: ACMG Guidelines, 2015. Collection method: clinical testing. Allele origin: germline.

All of Us Research Program, National Institutes of Health
Classification: Uncertain significance for Hypertrophic cardiomyopathy. Last evaluated: 2023-11-02. Review status: criteria provided, single submitter. Criteria: ACMG Guidelines, 2015. Collection method: clinical testing. Allele origin: germline. Inheritance: Autosomal dominant inheritance. Observed: 8 variant alleles, 8 heterozygotes.
Comment: This missense variant replaces arginine with tryptophan at codon 724 of the MYBPC3 protein. Computational prediction suggests that this variant may have deleterious impact on protein structure and function (internally defined REVEL score threshold >= 0.7, PMID: 27666373). To our knowledge, functional studies have not been performed for this variant. This variant has been reported in three individuals affected with hypertrophic cardiomyopathy (PMID: 27532257, 28790153, 29121657, 30645170). Two of these individuals carried a pathogenic variant in the same gene that could explain the observed phenotype. This variant has also been identified in 6/246748 chromosomes in the general population by the Genome Aggregation Database (gnomAD). The available evidence is insufficient to determine the role of this variant in disease conclusively. Therefore, this variant is classified as a Variant of Uncertain Significance.

This study involves interpretation of variants in research participants for the purpose of population health screening. Participant phenotype was not available at the time of variant classification. Additional details can be found in publication PMID: 35346344, PMCID: PMC8962531

Ambry Genetics
Classification: Uncertain significance for Cardiovascular phenotype. Last evaluated: 2023-07-26. Review status: criteria provided, single submitter. Criteria: Ambry Variant Classification Scheme 2023. Collection method: clinical testing. Allele origin: germline.
Comment: The p.R724W variant (also known as c.2170C>T), located in coding exon 23 of the MYBPC3 gene, results from a C to T substitution at nucleotide position 2170. The arginine at codon 724 is replaced by tryptophan, an amino acid with dissimilar properties. This alteration has been identified in patients with hypertrophic cardiomyopathy (HCM), including one proband in a study that tested &ge; 45 cardiomyopathy-associated genes (Burns C et al. Circ Cardiovasc Genet, 2017 Aug;10:), and another in a large study of pathogenicity of Mendelian variants in cardiomyopathy patients, but clinical details are limited (Walsh R et al. Genet Med, 2017 02;19:192-203). Two other studies identified the variant in HCM patients who each also carried a second MYBPC3 gene mutation (Viswanathan SK et al. PLoS One, 2017 Nov;12:e0187948; Singer ES et al. Circ Genom Precis Med, 2019 01;12:e002368). This amino acid position is highly conserved in available vertebrate species. In addition, this alteration is predicted to be deleterious by in silico analysis. Since supporting evidence is limited at this time, the clinical significance of this alteration remains unclear.

Clinical Genetics Laboratory, Skane University Hospital Lund
Classification: Uncertain significance. Last evaluated: 2022-07-13. Review status: criteria provided, single submitter. Criteria: ACMG Guidelines, 2015. Collection method: clinical testing. Allele origin: germline. Affected: yes.

AiLife Diagnostics
Classification: Uncertain significance. Last evaluated: 2022-01-10. Review status: criteria provided, single submitter. Criteria: ACMG Guidelines, 2015. Collection method: clinical testing. Allele origin: germline. Affected: yes. Observed: 2 variant alleles.

CHEO Genetics Diagnostic Laboratory, Children's Hospital of Eastern Ontario
Classification: Uncertain significance for Cardiomyopathy. Last evaluated: 2021-09-02. Review status: criteria provided, single submitter. Criteria: ACMG Guidelines, 2015. Collection method: clinical testing. Allele origin: germline.

Laboratory for Molecular Medicine, Mass General Brigham Personalized Medicine
Classification: Uncertain significance. Last evaluated: 2013-02-12. Review status: no assertion criteria provided. Collection method: clinical testing. Allele origin: germline. Observed: 1 variant allele. Not counted in ClinVar's aggregate classification.
Comment: proposed classification - variant undergoing re-assessment, contact laboratory

Literature cited by the submitters: PubMed 27532257 (cited by 5 submitters); PubMed 28790153 (cited by 4 submitters); PubMed 29121657 (cited by 5 submitters); PubMed 33673806 (cited by Labcorp Genetics (formerly Invitae), Labcorp and Color Diagnostics, LLC DBA Color Health); PubMed 33782553 (cited by Labcorp Genetics (formerly Invitae), Labcorp and Color Diagnostics, LLC DBA Color Health); PubMed 37652022 (cited by Labcorp Genetics (formerly Invitae), Labcorp); PubMed 30645170 (cited by 3 submitters).

NM_000256.3(MYBPC3):c.2170C>T (p.Arg724Trp)

Gene: MYBPC3 (myosin binding protein C3; minus strand). Cytogenetic location: 11p11.2.
Variant type: single nucleotide variant.
Coding change: c.2170C>T on transcript NM_000256.3 (MANE Select); coding-DNA position 2170, C replaced by T.
Protein change: p.Arg724Trp; replaces arginine 724 with tryptophan.
Molecular consequence: missense variant.
Genome position (GRCh38, 1-based): chr11:47,338,658, G>A on the plus strand (C>T on the coding strand, the complement: MYBPC3 is on the minus strand). VCF-style: chr11-47338658-G-A. GRCh37 (hg19) VCF-style: chr11-47360209-G-A.
Other names: short protein forms R724W.
Identifiers: ClinVar variation 177901 (VCV000177901.31), dbSNP rs200399246, ClinGen allele CA011812.
Genomic context (GRCh38, chr11:47,338,658, plus strand): 5'-CCTTCTCTGCCCCCTCGACCGTGAAGATGCTGCGGTCCTTGGTGGTCTCCACGCGGACCC[G>A]GCCCTCGGTCTCACACAGCAGCTGGGGGGGTGCAGAGTTGGGGTGAGATCCAAGTCAGAC-3'
Protein context (NP_000247.2, residues 714-734): DKKLLCETEG[Arg724Trp]VRVETTKDRS